The following is an entry in ClinVar:

ClinVar aggregate classification (germline): Uncertain significance. Review status: criteria provided, multiple submitters, no conflicts (2 of 4 stars). 2 submissions from 2 submitters: Uncertain significance (2). Last evaluated 2025-12-18.

Conditions:
KIDINS220-related disorder. Also called: KIDINS220-related condition.

Allele frequency attached by ClinVar (database versions not stated): gnomAD 0.00001; TOPMed 0.00001; gnomAD exomes below 0.00001.
gnomAD v4.1: 4 of 1,596,582 alleles (0.00025%); highest among the groups gnomAD compares: Non-Finnish European, 0.00034%; no homozygotes.

Submissions (2):

PreventionGenetics, part of Exact Sciences
Classification: Uncertain significance for KIDINS220-related condition. Last evaluated: 2025-12-18. Review status: criteria provided, single submitter. Criteria: ACMG Guidelines, 2015. Collection method: clinical testing. Allele origin: germline.
Comment: The KIDINS220 c.990A>G variant is predicted to result in the amino acid substitution p.Ile330Met. To our knowledge, this variant has not been reported in the literature. This variant is reported in 0.00088% of alleles in individuals of European (Non-Finnish) descent in gnomAD. At this time, the clinical significance of this variant is uncertain due to the absence of conclusive functional and genetic evidence.

CeGaT Center for Human Genetics Tuebingen
Classification: Uncertain significance. Last evaluated: 2022-09-01. Review status: criteria provided, single submitter. Criteria: CeGaT Center For Human Genetics Tuebingen Variant Classification Criteria Version 2. Collection method: clinical testing. Allele origin: germline. Affected: yes. Observed: 1 variant allele.

NM_020738.4(KIDINS220):c.990A>G (p.Ile330Met)

Gene: KIDINS220 (kinase D interacting substrate 220; minus strand). Cytogenetic location: 2p25.1.
Variant type: single nucleotide variant.
Coding change: c.990A>G on transcript NM_020738.4 (MANE Select); coding-DNA position 990, A replaced by G.
Protein change: p.Ile330Met; replaces isoleucine 330 with methionine.
Molecular consequence: missense variant. On other transcripts: non-coding transcript variant (2).
Genome position (GRCh38, 1-based): chr2:8,798,211, T>C on the plus strand (A>G on the coding strand, the complement: KIDINS220 is on the minus strand). VCF-style: chr2-8798211-T-C. GRCh37 (hg19) VCF-style: chr2-8938341-T-C.
Other names: c.993A>G, p.Ile331Met (NM_001348729.2, NM_001348731.2, NM_001348734.2 and 3 more transcripts); c.990A>G, p.Ile330Met (NM_001348732.2, NM_001348735.2, NM_001348738.2 and 3 more transcripts); c.864A>G, p.Ile288Met (NM_001348736.2); c.990A>G (NM_020738.2); short protein forms I288M, I330M, I331M.
Identifiers: ClinVar variation 2650661 (VCV002650661.25), dbSNP rs1470526107, ClinGen allele CA345771204.